The following is an entry in ClinVar:

ClinVar aggregate classification (germline): Uncertain significance. Review status: criteria provided, multiple submitters, no conflicts (2 of 4 stars). 2 submissions from 2 submitters: Uncertain significance (2). Last evaluated 2025-01-18.

Conditions:
Catecholaminergic polymorphic ventricular tachycardia 1. Also called: VENTRICULAR TACHYCARDIA, CATECHOLAMINERGIC POLYMORPHIC, 1, WITH OR WITHOUT ATRIAL DYSFUNCTION AND/OR DILATED CARDIOMYOPATHY; VENTRICULAR TACHYCARDIA, STRESS-INDUCED POLYMORPHIC 1; RYR2-Related Catecholaminergic Polymorphic Ventricular Tachycardia. Identifiers: Orphanet 3286, MedGen C1631597, MONDO:0011484, OMIM 604772.
Catecholaminergic polymorphic ventricular tachycardia (CVPT). Also called: Catecholamine-induced polymorphic ventricular tachycardia. Identifiers: Orphanet 3286, MedGen C5574922, MONDO:0017990.

Submissions (2):

Labcorp Genetics (formerly Invitae), Labcorp
Classification: Uncertain significance for Catecholaminergic polymorphic ventricular tachycardia 1. Last evaluated: 2025-01-18. Review status: criteria provided, single submitter. Criteria: Invitae Variant Classification Sherloc (09022015). Collection method: clinical testing. Allele origin: germline.
Comment: This sequence change falls in intron 86 of the RYR2 gene. It does not directly change the encoded amino acid sequence of the RYR2 protein. It affects a nucleotide within the consensus splice site. This variant is not present in population databases (gnomAD no frequency). This variant has not been reported in the literature in individuals affected with RYR2-related conditions. Variants that disrupt the consensus splice site are a relatively common cause of aberrant splicing (PMID: 17576681, 9536098). Algorithms developed to predict the effect of sequence changes on RNA splicing suggest that this variant is not likely to affect RNA splicing. In summary, the available evidence is currently insufficient to determine the role of this variant in disease. Therefore, it has been classified as a Variant of Uncertain Significance.

All of Us Research Program, National Institutes of Health
Classification: Uncertain significance for Catecholaminergic polymorphic ventricular tachycardia. Last evaluated: 2024-04-16. Review status: criteria provided, single submitter. Criteria: ACMG Guidelines, 2015. Collection method: clinical testing. Allele origin: germline. Inheritance: Autosomal dominant inheritance. Observed: 1 variant allele, 1 heterozygote.
Comment: This variant causes an A to G nucleotide substitution at the +3 position of intron 86 of the RYR2 gene. To our knowledge, functional studies have not been reported for this variant. This variant has not been reported in individuals affected with RYR2-related disorders in the literature. This variant has not been identified in the general population by the Genome Aggregation Database (gnomAD). The available evidence is insufficient to determine the role of this variant in disease conclusively. Therefore, this variant is classified as a Variant of Uncertain Significance.

This study involves interpretation of variants in research participants for the purpose of population health screening. Participant phenotype was not available at the time of variant classification. Additional details can be found in publication PMID: 35346344, PMCID: PMC8962531

Literature cited by the submitters: PubMed 17576681 (cited by Labcorp Genetics (formerly Invitae), Labcorp); PubMed 9536098 (cited by Labcorp Genetics (formerly Invitae), Labcorp).

NM_001035.3(RYR2):c.11646+3A>G

Gene: RYR2 (ryanodine receptor 2; plus strand). Cytogenetic location: 1q43.
Variant type: single nucleotide variant.
Coding change: c.11646+3A>G on transcript NM_001035.3 (MANE Select); 3 bases into the intron after coding-DNA position 11646, A replaced by G.
Molecular consequence: intron variant.
Genome position (GRCh38, 1-based): chr1:237,772,103, A>G. VCF-style: chr1-237772103-A-G. GRCh37 (hg19) VCF-style: chr1-237935403-A-G.
Identifiers: ClinVar variation 3385844 (VCV003385844.3).
Genomic context (GRCh38, chr1:237,772,103, plus strand): 5'-CAATAATACAACTGTCAACATAATTATCTCCACTGTAGACTACCTACTGAGAGTTCAGGT[A>G]TGTTGCTTTCCATATTAGTAACAAATTAAAAGGGTTGGTATGTTGAAACAATACGGCAGA-3'